The following is an entry in ClinVar:

ClinVar aggregate classification (germline): Uncertain significance. Review status: criteria provided, single submitter (1 of 4 stars). 3 submissions from 3 submitters: Uncertain significance (1). 2 of the submissions do not count toward it. Last evaluated 2022-08-09.

Conditions:
NEB-related disorder. Also called: NEB-related condition; NEB-Related Disorders.
Nemaline myopathy 2 (NEM2). Also called: Nemaline myopathy 2, autosomal recessive. Identifiers: MedGen C1850569, MONDO:0009725, OMIM 256030.

Allele frequency attached by ClinVar (database versions not stated): ExAC 0.00002; gnomAD exomes 0.00004 and 0.00009; TOPMed 0.00005; gnomAD 0.00007 and 0.00009; ESP Exome Variant Server 0.00008.
gnomAD v4.1: 138 of 1,587,588 alleles (0.0087%); highest among the groups gnomAD compares: Non-Finnish European, 0.011%; no homozygotes.

Submissions (3):

Labcorp Genetics (formerly Invitae), Labcorp
Classification: Uncertain significance for Nemaline myopathy 2. Last evaluated: 2022-08-09. Review status: criteria provided, single submitter. Criteria: Invitae Variant Classification Sherloc (09022015). Collection method: clinical testing. Allele origin: germline.
Comment: This sequence change falls in intron 159 of the NEB gene. It does not directly change the encoded amino acid sequence of the NEB protein. It affects a nucleotide within the consensus splice site. This variant is present in population databases (rs111314898, gnomAD 0.008%). This variant has not been reported in the literature in individuals affected with NEB-related conditions. ClinVar contains an entry for this variant (Variation ID: 534019). Variants that disrupt the consensus splice site are a relatively common cause of aberrant splicing (PMID: 17576681, 9536098). Algorithms developed to predict the effect of sequence changes on RNA splicing suggest that this variant is not likely to affect RNA splicing. In summary, the available evidence is currently insufficient to determine the role of this variant in disease. Therefore, it has been classified as a Variant of Uncertain Significance.

Natera, Inc.
Classification: Uncertain significance for Nemaline myopathy type 2. Last evaluated: 2019-11-11. Review status: no assertion criteria provided. Collection method: clinical testing. Allele origin: germline. Not counted in ClinVar's aggregate classification.

PreventionGenetics, part of Exact Sciences
Classification: Likely benign for NEB-related condition. Last evaluated: 2019-08-27. Review status: no assertion criteria provided. Collection method: clinical testing. Allele origin: germline. Not counted in ClinVar's aggregate classification.
Comment: This variant is classified as likely benign based on ACMG/AMP sequence variant interpretation guidelines (Richards et al. 2015 PMID: 25741868, with internal and published modifications).

Literature cited by the submitters: PubMed 17576681 (cited by Labcorp Genetics (formerly Invitae), Labcorp); PubMed 9536098 (cited by Labcorp Genetics (formerly Invitae), Labcorp).

NM_001164508.2(NEB):c.23017-3T>C

Genes: NEB (nebulin; minus strand), RIF1 (replication timing regulatory factor 1; plus strand). Cytogenetic location: 2q23.3.
Variant type: single nucleotide variant.
Coding change: c.23017-3T>C on transcript NM_001164508.2 (MANE Select); 3 bases into the intron before coding-DNA position 23017, T replaced by C.
Molecular consequence: intron variant.
Genome position (GRCh38, 1-based): chr2:151,514,431, A>G on the plus strand (T>C on the coding strand, the complement: NEB is on the minus strand). VCF-style: chr2-151514431-A-G. GRCh37 (hg19) VCF-style: chr2-152370945-A-G.
Other names: c.17914-3T>C (NM_004543.5); c.23017-3T>C (NM_001164507.2); c.23122-3T>C (NM_001271208.2).
Identifiers: ClinVar variation 534019 (VCV000534019.6), dbSNP rs111314898, ClinGen allele CA1906466.